The following is an entry in ClinVar:

ClinVar aggregate classification (germline): Uncertain significance. Review status: criteria provided, multiple submitters, no conflicts (2 of 4 stars). 2 submissions from 2 submitters: Uncertain significance (2). Last evaluated 2025-07-29.

Allele frequency attached by ClinVar (database versions not stated): ESP Exome Variant Server 0.00008; 1000 Genomes Project 30x 0.00016; 1000 Genomes Project 0.00020.
gnomAD v4.1: 60 of 1,613,968 alleles (0.0037%); highest among the groups gnomAD compares: Admixed American, 0.083%; no homozygotes.

Submissions (2):

GeneDx
Classification: Uncertain significance. Last evaluated: 2025-07-29. Review status: criteria provided, single submitter. Criteria: GeneDx Variant Classification Process June 2021. Collection method: clinical testing. Allele origin: germline. Affected: yes.
Comment: In silico analysis suggests that this missense variant does not alter protein structure/function; Has not been previously published as pathogenic or benign to our knowledge

Labcorp Genetics (formerly Invitae), Labcorp
Classification: Uncertain significance. Last evaluated: 2025-01-02. Review status: criteria provided, single submitter. Criteria: Invitae Variant Classification Sherloc (09022015). Collection method: clinical testing. Allele origin: germline.
Comment: This sequence change replaces arginine, which is basic and polar, with cysteine, which is neutral and slightly polar, at codon 2021 of the FAT1 protein (p.Arg2021Cys). This variant is present in population databases (rs185406112, gnomAD 0.1%). This variant has not been reported in the literature in individuals affected with FAT1-related conditions. ClinVar contains an entry for this variant (Variation ID: 1403880). An algorithm developed to predict the effect of missense changes on protein structure and function (PolyPhen-2) suggests that this variant is likely to be disruptive. In summary, the available evidence is currently insufficient to determine the role of this variant in disease. Therefore, it has been classified as a Variant of Uncertain Significance.

NM_005245.4(FAT1):c.6061C>T (p.Arg2021Cys)

Gene: FAT1 (FAT atypical cadherin 1; minus strand). Cytogenetic location: 4q35.2.
Variant type: single nucleotide variant.
Coding change: c.6061C>T on transcript NM_005245.4 (MANE Select); coding-DNA position 6061, C replaced by T.
Protein change: p.Arg2021Cys; replaces arginine 2021 with cysteine.
Molecular consequence: missense variant.
Genome position (GRCh38, 1-based): chr4:186,620,525, G>A on the plus strand (C>T on the coding strand, the complement: FAT1 is on the minus strand). VCF-style: chr4-186620525-G-A. GRCh37 (hg19) VCF-style: chr4-187541679-G-A.
Other names: c.6061C>T (NM_005245.3); short protein forms R2021C.
Identifiers: ClinVar variation 1403880 (VCV001403880.7), dbSNP rs185406112, ClinGen allele CA3166323.
Genomic context (GRCh38, chr4:186,620,525, plus strand): 5'-GATCGAAGGGCGTGCCAGTGGTTGACAGAACTCCTGAAGTGCGGCTTATTTTAAATCTGC[G>A]ATCTGGGTTGAGGATGTGATAAAACAAAGGCTCATTGATTGGATTCCCAATAGCAGTAAT-3'
Protein context (NP_005236.2, residues 2011-2031): PLFYHILNPD[Arg2021Cys]RFKISRTSGV